The following is an entry in ClinVar:

NM_000080.4(CHRNE):c.394G>T (p.Glu132Ter)

Genes: C17orf107 (chromosome 17 open reading frame 107; plus strand), CHRNE (cholinergic receptor nicotinic epsilon subunit; minus strand). Cytogenetic location: 17p13.2.
Variant type: single nucleotide variant.
Coding change: c.394G>T on transcript NM_000080.4 (MANE Select); coding-DNA position 394, G replaced by T.
Protein change: p.Glu132Ter; replaces glutamic acid 132 with a stop codon.
Molecular consequence: nonsense. On other transcripts: 3 prime UTR variant (1).
Genome position (GRCh38, 1-based): chr17:4,902,038, C>A on the plus strand (G>T on the coding strand, the complement: CHRNE is on the minus strand). VCF-style: chr17-4902038-C-A. GRCh37 (hg19) VCF-style: chr17-4805333-C-A.
Other names: c.*1505C>A (NM_001145536.2); short protein forms E132*.
Identifiers: ClinVar variation 4816912 (VCV004816912.1).

ClinVar aggregate classification (germline): Likely pathogenic (1 of 4 stars; one submission).

Conditions:
Congenital myasthenic syndrome (CMS). Also called: Congenital Myasthenic Syndromes. Identifiers: Orphanet 590, MedGen C0751882, MeSH D020294, MONDO:0018940.

Submission:

Natera, Inc.
Classification: Likely pathogenic for Congenital myasthenic syndrome. Last evaluated: 2024-11-23. Review status: criteria provided, single submitter. Criteria: Natera Variant Classification Schema (03/2026). Collection method: clinical testing. Allele origin: germline.
Comment: The c.394G>T variant in CHRNE is a nonsense variant predicted to introduce a stop codon at amino acid 132. This variant is expected to result in nonsense mediated decay, truncation, or a dysfunctional protein product. This variant is rare in the general population with a frequency below the threshold expected for the associated phenotype(s). Given the available evidence, this variant is classified as Likely Pathogenic.